The following is an entry in ClinVar:

ClinVar aggregate classification (germline): Uncertain significance (1 of 4 stars; one submission).

Conditions:
Epidermolysis bullosa simplex with nail dystrophy (EBS5D). Identifiers: MedGen C4225309, MONDO:0014661, OMIM 616487.
Epidermolysis bullosa simplex 5B, with muscular dystrophy (EBS5B). Also called: EPIDERMOLYSIS BULLOSA SIMPLEX AND LIMB-GIRDLE MUSCULAR DYSTROPHY; Epidermolysis bullosa simplex with muscular dystrophy. Identifiers: Orphanet 257, MedGen C2931072, MONDO:0009181, OMIM 226670.
Epidermolysis bullosa simplex 5C, with pyloric atresia (EBS5C). Also called: PLEC-Related Epidermolysis Bullosa with Pyloric Atresia; Epidermolysis bullosa simplex with pyloric atresia; PLEC1-Related Epidermolysis Bullosa with Pyloric Atresia. Identifiers: Orphanet 158684, MedGen C2677349, MONDO:0012807, OMIM 612138.
Autosomal recessive limb-girdle muscular dystrophy type 2Q (LGMDR17). Also called: MUSCULAR DYSTROPHY, LIMB-GIRDLE, AUTOSOMAL RECESSIVE 17. Identifiers: Orphanet 254361, MedGen C3150989, MONDO:0013390, OMIM 613723.
Epidermolysis bullosa simplex, Ogna type (EBS5A). Also called: Pidermolysis bullosa simplex 5A, Ogna type; EPIDERMOLYSIS BULLOSA SIMPLEX 5A, OGNA TYPE. Identifiers: Orphanet 79401, MedGen C0432317, MONDO:0007555, OMIM 131950.

gnomAD v4.1: 12 of 1,591,996 alleles (0.00075%); highest among the groups gnomAD compares: South Asian, 0.0011%; no homozygotes.

Submission:

Labcorp Genetics (formerly Invitae), Labcorp
Classification: Uncertain significance for Autosomal recessive limb-girdle muscular dystrophy type 2Q; Epidermolysis bullosa simplex, Ogna type; Epidermolysis bullosa simplex with nail dystrophy; Epidermolysis bullosa simplex 5C, with pyloric atresia; Epidermolysis bullosa simplex 5B, with muscular dystrophy. Last evaluated: 2025-03-04. Review status: criteria provided, single submitter. Criteria: Invitae Variant Classification Sherloc (09022015). Collection method: clinical testing. Allele origin: germline.
Comment: This sequence change replaces aspartic acid, which is acidic and polar, with glutamic acid, which is acidic and polar, at codon 1437 of the PLEC protein (p.Asp1437Glu). This variant is present in population databases (rs111282136, gnomAD 0.003%). This variant has not been reported in the literature in individuals affected with PLEC-related conditions. ClinVar contains an entry for this variant (Variation ID: 2929160). Invitae Evidence Modeling of protein sequence and biophysical properties (such as structural, functional, and spatial information, amino acid conservation, physicochemical variation, residue mobility, and thermodynamic stability) has been performed for this missense variant. However, the output from this modeling did not meet the statistical confidence thresholds required to predict the impact of this variant on PLEC protein function. In summary, the available evidence is currently insufficient to determine the role of this variant in disease. Therefore, it has been classified as a Variant of Uncertain Significance.

NM_201384.3(PLEC):c.4230C>A (p.Asp1410Glu)

Gene: PLEC (plectin; minus strand). Cytogenetic location: 8q24.3.
Variant type: single nucleotide variant.
Coding change: c.4230C>A on transcript NM_201384.3 (MANE Select); coding-DNA position 4230, C replaced by A.
Protein change: p.Asp1410Glu; replaces aspartic acid 1410 with glutamic acid.
Molecular consequence: missense variant. On other transcripts: intron variant (1).
Genome position (GRCh38, 1-based): chr8:143,925,699, G>T on the plus strand (C>A on the coding strand, the complement: PLEC is on the minus strand). VCF-style: chr8-143925699-G-T. GRCh37 (hg19) VCF-style: chr8-144999867-G-T.
Other names: c.4311C>A, p.Asp1437Glu (NM_000445.5); c.4188C>A, p.Asp1396Glu (NM_201378.4); c.4164C>A, p.Asp1388Glu (NM_201379.3); c.4641C>A, p.Asp1547Glu (NM_201380.4); c.4134C>A, p.Asp1378Glu (NM_201381.3); c.4230C>A, p.Asp1410Glu (NM_201382.4); c.4242C>A, p.Asp1414Glu (NM_201383.3); c.4125+1085C>A (NM_001410941.1); short protein forms D1388E, D1410E, D1547E, D1437E, D1378E, D1414E, D1396E.
Identifiers: ClinVar variation 2929160 (VCV002929160.3), dbSNP rs111282136, ClinGen allele CA4926729.